The following is an entry in ClinVar:

ClinVar aggregate classification (germline): Pathogenic. Review status: criteria provided, multiple submitters, no conflicts (2 of 4 stars). 2 submissions from 2 submitters: Pathogenic (2). Last evaluated 2025-03-12.

Conditions:
Osteogenesis imperfecta (OI). Identifiers: Orphanet 666, MedGen C0029434, MeSH D010013, MONDO:0019019.
Osteogenesis imperfecta type I (OI1). Also called: Lobstein's Disease; Lobstein disease; OI, TYPE I; OSTEOGENESIS IMPERFECTA TARDA; OSTEOGENESIS IMPERFECTA WITH BLUE SCLERAE; Osteogenesis imperfecta type 1. Identifiers: Orphanet 216796, Orphanet 666, MedGen C0023931, MONDO:0008146, OMIM 166200. Disease mechanism: loss of function.

Allele frequency attached by ClinVar (database versions not stated): gnomAD exomes below 0.00001.
gnomAD v4.1: 1 of 1,614,130 alleles (0.000062%); highest among the groups gnomAD compares: Non-Finnish European, 0.000085%; no homozygotes.

Submissions (2):

Labcorp Genetics (formerly Invitae), Labcorp
Classification: Pathogenic for Osteogenesis imperfecta type I. Last evaluated: 2025-03-12. Review status: criteria provided, single submitter. Criteria: Invitae Variant Classification Sherloc (09022015). Collection method: clinical testing. Allele origin: germline.
Comment: This sequence change affects a donor splice site in intron 18 of the COL1A1 gene. It is expected to disrupt RNA splicing. Variants that disrupt the donor or acceptor splice site typically lead to a loss of protein function (PMID: 16199547), and loss-of-function variants in COL1A1 are known to be pathogenic (PMID: 7942841, 9295084, 9443882). This variant is not present in population databases (gnomAD no frequency). Disruption of this splice site has been observed in individual(s) with osteogenesis imperfecta (PMID: 7942841, 25963598, 27509835, 27748872, 29150909). In at least one individual the variant was observed to be de novo. ClinVar contains an entry for this variant (Variation ID: 35898). Studies have shown that disruption of this splice site alters COL1A1 gene expression (PMID: 7942841). Algorithms developed to predict the effect of sequence changes on RNA splicing suggest that this variant may disrupt the consensus splice site. For these reasons, this variant has been classified as Pathogenic.

Women's Health and Genetics/Laboratory Corporation of America, LabCorp
Classification: Pathogenic for Osteogenesis Imperfecta. Last evaluated: 2011-08-18. Review status: criteria provided, single submitter. Criteria: LabCorp Variant Classification Summary - May 2015. Collection method: curation, clinical testing. Allele origin: germline. Inheritance: autosomal dominant. Affected: yes. Observed: 2 variant alleles.
ClinVar note: Converted during submission from pathogenic to Pathogenic.

Literature cited by the submitters: PubMed 16199547 (cited by Labcorp Genetics (formerly Invitae), Labcorp); PubMed 7942841 (cited by Labcorp Genetics (formerly Invitae), Labcorp and Women's Health and Genetics/Laboratory Corporation of America, LabCorp); PubMed 9295084 (cited by Labcorp Genetics (formerly Invitae), Labcorp); PubMed 9443882 (cited by Labcorp Genetics (formerly Invitae), Labcorp); PubMed 25963598 (cited by Labcorp Genetics (formerly Invitae), Labcorp); PubMed 27509835 (cited by Labcorp Genetics (formerly Invitae), Labcorp); PubMed 27748872 (cited by Labcorp Genetics (formerly Invitae), Labcorp); PubMed 29150909 (cited by Labcorp Genetics (formerly Invitae), Labcorp).

NM_000088.4(COL1A1):c.1200+1G>A

Gene: COL1A1 (collagen type I alpha 1 chain; minus strand). Cytogenetic location: 17q21.33.
Variant type: single nucleotide variant.
Coding change: c.1200+1G>A on transcript NM_000088.4 (MANE Select); the canonical splice donor site of the intron after coding-DNA position 1200, G replaced by A.
Molecular consequence: splice donor variant.
Genome position (GRCh38, 1-based): chr17:50,195,433, C>T on the plus strand (G>A on the coding strand, the complement: COL1A1 is on the minus strand). VCF-style: chr17-50195433-C-T. GRCh37 (hg19) VCF-style: chr17-48272794-C-T.
Identifiers: ClinVar variation 35898 (VCV000035898.13), dbSNP rs72648320, ClinGen allele CA260270.